The following is an entry in ClinVar:

NM_004360.5(CDH1):c.322A>G (p.Arg108Gly)

Gene: CDH1 (cadherin 1; plus strand). Cytogenetic location: 16q22.1.
Variant type: single nucleotide variant.
Coding change: c.322A>G on transcript NM_004360.5 (MANE Select); coding-DNA position 322, A replaced by G.
Protein change: p.Arg108Gly; replaces arginine 108 with glycine.
Molecular consequence: missense variant. On other transcripts: 5 prime UTR variant (2).
Genome position (GRCh38, 1-based): chr16:68,801,828, A>G. VCF-style: chr16-68801828-A-G. GRCh37 (hg19) VCF-style: chr16-68835731-A-G.
Other names: c.322A>G (LRG_301t1); c.322A>G, p.Arg108Gly (NM_001317184.2); c.-1294A>G (NM_001317185.2); c.-1498A>G (NM_001317186.2); short protein forms R108G.
Identifiers: ClinVar variation 133851 (VCV000133851.19), dbSNP rs587778172, ClinGen allele CA157974.

ClinVar aggregate classification (germline): Conflicting classifications of pathogenicity. Review status: criteria provided, conflicting classifications (1 of 4 stars). 6 submissions from 6 submitters: Uncertain significance (3); Likely benign (1). 2 of the submissions do not count toward it. Last evaluated 2025-06-26.

Conditions:
Familial cancer of breast. Also called: BREAST CANCER, FAMILIAL; Hereditary breast cancer; hereditary breast carcinoma. Identifiers: Orphanet 227535, MedGen C0346153, MONDO:0016419, OMIM 114480. Disease mechanism: loss of function.
Ovarian cancer. Also called: OVARIAN CANCER, SOMATIC. Identifiers: Orphanet 213500, MedGen C1140680, MONDO:0008170, OMIM 167000.
Blepharocheilodontic syndrome 1 (BCDS1). Identifiers: Orphanet 1997, MedGen C4551988, MONDO:0054740, OMIM 119580.
Endometrial carcinoma. Also called: Endometrial carcinoma, somatic. Identifiers: MedGen C0476089, MONDO:0002447, OMIM 608089, HP:0012114.
Hereditary diffuse gastric adenocarcinoma (HDGC). Also called: DIFFUSE GASTRIC AND LOBULAR BREAST CANCER SYNDROME. Identifiers: Orphanet 26106, MedGen C1708349, MONDO:0007648, OMIM 137215.
Hereditary cancer-predisposing syndrome. Also called: Tumor predisposition; Hereditary neoplastic syndrome; Neoplastic Syndromes, Hereditary; Hereditary Cancer Syndrome. Identifiers: Orphanet 140162, MedGen C0027672, MeSH D009386, MONDO:0015356.
Malignant tumor of breast. Also called: Malignant breast neoplasm; Cancer breast. Identifiers: MedGen C0006142, MONDO:0007254. Disease mechanism: loss of function.

Allele frequency attached by ClinVar (database versions not stated): gnomAD 0.00001; gnomAD exomes 0.00001 and 0.00002; ExAC 0.00002.
gnomAD v4.1: 16 of 1,614,108 alleles (0.00099%); highest among the groups gnomAD compares: South Asian, 0.016%; no homozygotes.

Submissions (6):

Ambry Genetics
Classification: Likely benign for Hereditary cancer-predisposing syndrome. Last evaluated: 2025-06-26. Review status: criteria provided, single submitter. Criteria: Ambry Variant Classification Scheme 2023. Collection method: clinical testing. Allele origin: germline.

Fulgent Genetics
Classification: Uncertain significance for Familial cancer of breast; Blepharocheilodontic syndrome 1; Hereditary diffuse gastric adenocarcinoma; Ovarian cancer; Endometrial carcinoma. Last evaluated: 2024-06-19. Review status: criteria provided, single submitter. Criteria: ACMG Guidelines, 2015. Collection method: clinical testing. Allele origin: germline.

Labcorp Genetics (formerly Invitae), Labcorp
Classification: Uncertain significance for Hereditary diffuse gastric adenocarcinoma. Last evaluated: 2022-08-23. Review status: criteria provided, single submitter. Criteria: Invitae Variant Classification Sherloc (09022015). Collection method: clinical testing. Allele origin: germline.
Comment: ClinVar contains an entry for this variant (Variation ID: 133851). This variant has not been reported in the literature in individuals affected with CDH1-related conditions. This variant is present in population databases (rs587778172, gnomAD 0.02%). This sequence change replaces arginine, which is basic and polar, with glycine, which is neutral and non-polar, at codon 108 of the CDH1 protein (p.Arg108Gly). Algorithms developed to predict the effect of missense changes on protein structure and function (SIFT, PolyPhen-2, Align-GVGD) all suggest that this variant is likely to be tolerated. In summary, the available evidence is currently insufficient to determine the role of this variant in disease. Therefore, it has been classified as a Variant of Uncertain Significance.

Color Diagnostics, LLC DBA Color Health
Classification: Uncertain significance for Hereditary cancer-predisposing syndrome. Last evaluated: 2019-04-04. Review status: criteria provided, single submitter. Criteria: ACMG Guidelines, 2015. Collection method: clinical testing. Allele origin: germline.

ITMI
No classification provided. Condition: AllHighlyPenetrant. Last evaluated: 2013-09-19. Review status: no classification provided. Collection method: reference population. Allele origin: germline. Not counted in ClinVar's aggregate classification.
Comment: Please see associated publication for description of ethnicities

Department of Pathology and Laboratory Medicine, Sinai Health System
Classification: Uncertain significance for Malignant tumor of breast. Review status: no assertion criteria provided. Collection method: clinical testing. Allele origin: unknown. Affected: yes. Study: The Canadian Open Genetics Repository (COGR). Not counted in ClinVar's aggregate classification.
Comment: The CDH1 p.Arg108Gly variant was identified in a study of 158 genes causally implicated in carcinogenesis in healthy individuals and was found in 1 of 1362 control chromosomes (freq. 0.001) (Bodian 2014). The variant was also identified in dbSBP (ID: rs587778172) as â€šÃ„ÃºWith untested allele,â€šÃ„Ã¹ ClinVar (not classified), and Clinvitae databases. The variant was not identified in Cosmic, MutDB, Insight Colon Cancer Gene Variant Database, Zhejiang Colon Cancer Database. The variant was identified in control databases in 5 of 245988 chromosomes at a frequency of 0.00002 increasing the likelihood that this may be a low frequency benign variant in certain populations of origin (Genome Aggregation Consortium Feb 27, 2017). The variant was only found in the South Asian population in 5 of 30780 chromosomes (freq. 0.00016). The p.Arg108Gly residue is not conserved in mammals and computational analyses (PolyPhen-2, SIFT, AlignGVGD, BLOSUM, MutationTaster) provide inconsistent predictions regarding the impact to the protein; this information is not very predictive of pathogenicity. The variant occurs outside of the splicing consensus sequence and in silico or computational prediction software programs (SpliceSiteFinder, MaxEntScan, NNSPLICE, GeneSplicer, HumanSpliceFinder) do not predict a difference in splicing. The variant is located with the Cadherin prodomain Cadherin-like functional domain(s) increasing the likelihood that it may have clinical significance. In summary, based on the above information the clinical significance of this variant cannot be determined with certainty at this time. This variant is classified as a variant of uncertain significance.

Literature cited by the submitters: PubMed 32885271 (cited by Ambry Genetics); PubMed 24728327 (cited by ITMI).